The following is an entry in ClinVar:

NM_000375.3(UROS):c.217T>C (p.Cys73Arg)

Gene: UROS (uroporphyrinogen III synthase; minus strand). Cytogenetic location: 10q26.2.
Variant type: single nucleotide variant.
Coding change: c.217T>C on transcript NM_000375.3 (MANE Select); coding-DNA position 217, T replaced by C.
Protein change: p.Cys73Arg; replaces cysteine 73 with arginine.
Molecular consequence: missense variant. On other transcripts: non-coding transcript variant (2).
Genome position (GRCh38, 1-based): chr10:125,815,061, A>G on the plus strand (T>C on the coding strand, the complement: UROS is on the minus strand). VCF-style: chr10-125815061-A-G. GRCh37 (hg19) VCF-style: chr10-127503630-A-G.
Other names: c.217T>C, p.Cys73Arg (NM_001324036.2, NM_001324037.2, NM_001324038.2 and 1 more transcripts); short protein forms C73R.
Identifiers: ClinVar variation 3750 (VCV000003750.31), dbSNP rs121908012, ClinGen allele CA340118.

ClinVar aggregate classification (germline): Pathogenic. Review status: criteria provided, multiple submitters, no conflicts (2 of 4 stars). 13 submissions from 13 submitters: Pathogenic (10). 3 of the submissions do not count toward it. Last evaluated 2026-07-07.

Conditions:
UROS-related disorder. Also called: UROS-related condition.
Congenital erythropoietic porphyria. Also called: UROPORPHYRINOGEN III SYNTHASE DEFICIENCY; Porphyria, Erythropoietic; Congenital porphyria; Günther disease; Uroporphyrinogen III synthase, deficiency of; Cutaneous porphyria. Identifiers: Orphanet 79277, MedGen C5886774, MONDO:0009902, OMIM 263700.

Allele frequency attached by ClinVar (database versions not stated): ExAC 0.00015; 1000 Genomes Project 0.00020; TOPMed 0.00026; gnomAD 0.00022 and 0.00025; 1000 Genomes Project 30x 0.00031.
gnomAD v4.1: 428 of 1,614,220 alleles (0.027%); highest among the groups gnomAD compares: Non-Finnish European, 0.034%; no homozygotes.

Submissions (13):

Victorian Clinical Genetics Services, Murdoch Childrens Research Institute
Classification: Pathogenic for Congenital erythropoietic porphyria. Last evaluated: 2026-07-07. Review status: criteria provided, single submitter. Criteria: ACMG Guidelines, 2015. Collection method: clinical testing. Allele origin: germline. Affected: yes.
Comment: This variant is classified as Pathogenic. Evidence in support of pathogenic classification: Variant is present in gnomAD <0.01 for a recessive condition (v4: 428 heterozygote(s), 0 homozygote(s)); This variant has strong previous evidence of pathogenicity in unrelated individuals. This variant has been classified as pathogenic by multiple clinical laboratories in ClinVar, and has been reported as homozygous and compound heterozygous in affected individuals in the literature (PMIDs: 34828434, 31843562, 15065102, 30685241); This variant has moderate functional evidence supporting abnormal protein function. Functional studies showed this variant had markedly decreased UROS activity (PMID: 21570665); Missense variant predicted to be damaging by in silico tool(s) or highly conserved with a major amino acid change. Additional information: Variant is predicted to result in a missense amino acid change from Cys to Arg; This variant is heterozygous; This gene is associated with autosomal recessive disease; Alternative amino acid change(s) at the same position are present in gnomAD (highest allele count: v4: 1 heterozygote(s), 0 homozygote(s)); Variant is located in the annotated HEM4 family domain (DECIPHER); Loss of function is a known mechanism of disease in this gene and is associated with congenital erythropoietic porphyria (MIM#263700); Heterozygous variant detected in trans with a LIKELY PATHOGENIC heterozygous variant (NM_000375.3(UROS):c.660+2899G>T) in a recessive disease.

Dasa
Classification: Pathogenic. Last evaluated: 2026-03-05. Review status: criteria provided, single submitter. Criteria: DASA Assertion Criteria. Collection method: clinical testing. Allele origin: germline.
Comment: NM_000375.3(UROS):c.217T>C (p.Cys73Arg) is a missense variant that results in the substitution of cysteine with arginine. The affected residue or protein region has prior evidence supporting clinical relevance. Segregation evidence has been reported in affected families. This variant has been observed in affected individuals with related phenotype in a genotype context consistent with recessive disease (PMID: 38577034; PMID: 27859603; PMID: 38255745; PMID: 16532394; PMID: 19099412). Functional evidence supports a deleterious effect on the gene or gene product (PMID: 38577034; PMID: 27859603; PMID: 38255745; PMID: 16532394; PMID: 19099412). This variant has been recurrently observed in individuals with related phenotype (PMID: 38577034; PMID: 27859603; PMID: 38255745; PMID: 16532394; PMID: 19099412). Multiple computational predictions support a deleterious effect on the gene or gene product. The variant is present at low frequency in population datasets. Based on the available data, this variant is classified as pathogenic.

GeneDx
Classification: Pathogenic. Last evaluated: 2025-06-03. Review status: criteria provided, single submitter. Criteria: GeneDx Variant Classification Process June 2021. Collection method: clinical testing. Allele origin: germline. Affected: yes.
Comment: Published functional studies demonstrate a damaging effect on protein stability and causes premature protein degradation (PMID: 33659185); In silico analysis supports that this missense variant has a deleterious effect on protein structure/function; This variant is associated with the following publications: (PMID: 34828434, 25092523, 19099412, 27086902, 27859603, 23557135, 9803266, 8821859, 37409586, 1519940, 38577034, 22816431, 30685241, 21365124, 1737856, 22090724, 24145442, 16532394, 21570665, 38255745, 26338694, 21653323, 24925316, 32795423, 7550841, 12060141, 38719715, 17270473, 28334762, Erwin2024[Abstract], 34071291, 21343304, 10583066, 31843562, 15065102, 7860775, 17298225, 2331520, 1733834, 36217751, 33659185)

Labcorp Genetics (formerly Invitae), Labcorp
Classification: Pathogenic. Last evaluated: 2024-12-17. Review status: criteria provided, single submitter. Criteria: Invitae Variant Classification Sherloc (09022015). Collection method: clinical testing. Allele origin: germline.
Comment: This sequence change replaces cysteine, which is neutral and slightly polar, with arginine, which is basic and polar, at codon 73 of the UROS protein (p.Cys73Arg). This variant is present in population databases (rs121908012, gnomAD 0.04%). This missense change has been observed in individual(s) with congenital erythropoietic porphyria (PMID: 1737856, 8821859, 22816431, 23557135, 25092523, 27859603). In at least one individual the data is consistent with being in trans (on the opposite chromosome) from a pathogenic variant. ClinVar contains an entry for this variant (Variation ID: 3750). Invitae Evidence Modeling of protein sequence and biophysical properties (such as structural, functional, and spatial information, amino acid conservation, physicochemical variation, residue mobility, and thermodynamic stability) indicates that this missense variant is expected to disrupt UROS protein function with a positive predictive value of 95%. Experimental studies have shown that this missense change affects UROS function (PMID: 16532394, 19099412, 21343304). For these reasons, this variant has been classified as Pathogenic.

Blueprint Genetics
Classification: Pathogenic for UROS-related disorders. Last evaluated: 2024-08-08. Review status: criteria provided, single submitter. Criteria: ACMG Guidelines, 2015. Collection method: clinical testing. Allele origin: germline. Affected: yes. Observed: 5 variant alleles.

Fulgent Genetics
Classification: Pathogenic for Congenital erythropoietic porphyria. Last evaluated: 2024-04-03. Review status: criteria provided, single submitter. Criteria: ACMG Guidelines, 2015. Collection method: clinical testing. Allele origin: germline.

Laboratorio de Genetica e Diagnostico Molecular, Hospital Israelita Albert Einstein
Classification: Pathogenic for Congenital erythropoietic porphyria. Last evaluated: 2021-03-25. Review status: criteria provided, single submitter. Criteria: ACMG Guidelines, 2015. Collection method: clinical testing. Allele origin: germline. Affected: yes.
Comment: ACMG classification criteria: PS3 supporting, PM3 very strong, PP3 supporting

Revvity Omics, Revvity
Classification: Pathogenic for Congenital erythropoietic porphyria. Last evaluated: 2019-11-12. Review status: criteria provided, single submitter. Criteria: ACMG Guidelines, 2015. Collection method: clinical testing. Allele origin: germline.

Illumina Laboratory Services, Illumina
Classification: Pathogenic for Congenital erythropoietic porphyria. Last evaluated: 2017-04-27. Review status: criteria provided, single submitter. Criteria: ICSL Variant Classification Criteria 09 May 2019. Collection method: clinical testing. Allele origin: germline.
Comment: Across a selection of the available literature, the UROS c.217T>C (p.Cys73Arg) missense variant has been identified in 17 individuals with congenital erythropoietic porphyria, including in six in a homozygous state, in seven in a compound heterozygous state, and in four in a heterozygous state (Deybach et al. 1990; Boulechfar et al. 1992; Warner et al. 1992; Xu et al. 1995; Frank et al. 1998). The p.Cys73Arg variant was also found in a heterozygous state in ten unaffected family members (Deybach et al. 1990; Boulechfar et al. 1992; Warner et al. 1992; Xu et al. 1995; Frank et al. 1998). The variant was absent from the only two controls tested and is reported at a frequency of 0.00069 in the European American population of the Exome Sequencing Project. Expression of the p.Cys73Arg variant in E. coli showed less than 2% residual protein activity (Boulechfar et al. 1992; Warner et al. 1992). Fortian et al. (2011) demonstrated that the p.Cys73Arg variant leads to irreversible enzyme unfolding and aggregation while Bishop et al. (2011) showed that knock-in mice homozygous for the p.Cys73Arg variant had a severe phenotype. Based on the collective evidence, the p.Cys73Arg variant is classified as pathogenic for congenital erythropoietic porphyria. This variant was observed by ICSL as part of a predisposition screen in an ostensibly healthy population.

Eurofins Ntd Llc (ga)
Classification: Pathogenic. Last evaluated: 2016-08-31. Review status: criteria provided, single submitter. Criteria: EGL Classification Definitions 2015. Collection method: clinical testing. Allele origin: germline. Observed: 1 variant allele, 1 heterozygote.

PreventionGenetics, part of Exact Sciences
Classification: Pathogenic for UROS-related condition. Last evaluated: 2024-06-25. Review status: no assertion criteria provided. Collection method: clinical testing. Allele origin: germline. Not counted in ClinVar's aggregate classification.
Comment: The UROS c.217T>C variant is predicted to result in the amino acid substitution p.Cys73Arg. This variant has been reported to be causative for congenital erythropoietic porphyria (Xu et al. 1995. PubMed ID: 7860775; Deybach et al. 1990. PubMed ID: 2331520; Glomglao et al. 2015. PubMed ID: 25092523). Homozygous mouse models of the p.Cys73Arg variant resulted in severe microcytic hypochromic anemia and congenital erythropoietic porphyria (Bishop et al. 2011. PubMed ID: 21365124). This variant is reported in 0.041% of alleles in individuals of European (Non-Finnish) descent in gnomAD. This variant is interpreted as pathogenic.

OMIM
Classification: Pathogenic for PORPHYRIA, CONGENITAL ERYTHROPOIETIC. Last evaluated: 2011-04-15. Review status: no assertion criteria provided. Collection method: literature only. Allele origin: germline. Not counted in ClinVar's aggregate classification.

GeneReviews
No classification provided. Condition: Congenital erythropoietic porphyria. Review status: no classification provided. Collection method: literature only. Allele origin: germline. Not counted in ClinVar's aggregate classification.
Comment: Most common UROS pathogenic variant observed in approximately one-third of affected persons.

Literature cited by the submitters: PubMed 30685241 (cited by Victorian Clinical Genetics Services, Murdoch Childrens Research Institute); PubMed 15065102 (cited by Victorian Clinical Genetics Services, Murdoch Childrens Research Institute); PubMed 31843562 (cited by Victorian Clinical Genetics Services, Murdoch Childrens Research Institute); PubMed 34828434 (cited by Victorian Clinical Genetics Services, Murdoch Childrens Research Institute); PubMed 21570665 (cited by Victorian Clinical Genetics Services, Murdoch Childrens Research Institute); PubMed 38577034 (cited by Dasa); PubMed 27859603 (cited by Dasa and Labcorp Genetics (formerly Invitae), Labcorp); PubMed 38255745 (cited by Dasa); PubMed 16532394 (cited by Dasa and Labcorp Genetics (formerly Invitae), Labcorp); PubMed 19099412 (cited by Dasa and Labcorp Genetics (formerly Invitae), Labcorp); PubMed 21343304 (cited by 4 submitters); PubMed 1737856 (cited by 3 submitters); PubMed 8821859 (cited by Labcorp Genetics (formerly Invitae), Labcorp); PubMed 22816431 (cited by Labcorp Genetics (formerly Invitae), Labcorp); PubMed 23557135 (cited by Labcorp Genetics (formerly Invitae), Labcorp); PubMed 25092523 (cited by Labcorp Genetics (formerly Invitae), Labcorp); PubMed 7860775 (cited by Illumina Laboratory Services, Illumina); PubMed 9803266 (cited by Illumina Laboratory Services, Illumina and OMIM); PubMed 21365124 (cited by Illumina Laboratory Services, Illumina); PubMed 1733834 (cited by Illumina Laboratory Services, Illumina and OMIM); PubMed 2331520 (cited by Illumina Laboratory Services, Illumina and OMIM); Warner, C. A., Yoo, H. W., Tsai, S.-F., Roberts, A. G., Desnick, R. J. Congenital erythropoietic porphyria: characterization of the genomic structure and identification of mutations in the uroporphyrinogen III synthase gene. (Abstract) Am. J. Hum. Genet. 47 (suppl.): A83-only, 1990. (cited by OMIM); PubMed 7616657 (cited by OMIM); NCBI Bookshelf NBK154652 (cited by GeneReviews).